The following is an entry in ClinVar:

ClinVar aggregate classification (germline): Pathogenic. Review status: criteria provided, multiple submitters, no conflicts (2 of 4 stars). 14 submissions from 14 submitters: Pathogenic (12). 2 of the submissions do not count toward it. Last evaluated 2025-09-24.

Conditions:
SOX2-related disorder. Also called: SOX2-related condition.
Septo-optic dysplasia sequence (SOD). Also called: DE MORSIER SYNDROME; Septo-optic dysplasia. Identifiers: Orphanet 3157, MedGen C0338503, MONDO:0008428, OMIM 182230, HP:0100842.
Anophthalmia/microphthalmia-esophageal atresia syndrome (MCOPS3). Also called: MICROPHTHALMIA AND ESOPHAGEAL ATRESIA SYNDROME; AEG SYNDROME; SOX2 Disorder. Identifiers: Orphanet 77298, MedGen C1859773, MONDO:0008799, OMIM 206900.

Submissions (14):

Genesolutions, Medical Genetics Institutes, Ho Chi Minh City, Vietnam
Classification: Pathogenic for Anophthalmia/microphthalmia-esophageal atresia syndrome. Last evaluated: 2025-09-24. Review status: criteria provided, single submitter. Criteria: ACMG Guidelines, 2015. Collection method: clinical testing. Allele origin: germline. Affected: yes.

3billion
Classification: Pathogenic for Anophthalmia/microphthalmia-esophageal atresia syndrome. Last evaluated: 2025-08-01. Review status: criteria provided, single submitter. Criteria: ACMG Guidelines, 2015. Collection method: clinical testing. Allele origin: germline. Affected: yes.
Comment: The variant is not observed in the gnomAD v4.1.0 dataset. Predicted Consequence/Location: Frameshift: predicted to result in a loss or disruption of normal protein function through protein truncation. Multiple pathogenic variants are reported in the predicted truncated region. The variant has been previously reported as de novo in a similarly affected individual (PMID: 24804704). The variant has been reported at least twice as pathogenic with clinical assertions and evidence for the classification (ClinVar ID: VCV000094104 /PMID: 16283891 /3billion dataset). Therefore, this variant is classified as Pathogenic according to the recommendation of ACMG/AMP guideline.

Labcorp Genetics (formerly Invitae), Labcorp
Classification: Pathogenic for Anophthalmia/microphthalmia-esophageal atresia syndrome. Last evaluated: 2025-03-31. Review status: criteria provided, single submitter. Criteria: Invitae Variant Classification Sherloc (09022015). Collection method: clinical testing. Allele origin: germline.
Comment: This sequence change creates a premature translational stop signal (p.Asn24Argfs*65) in the SOX2 gene. While this is not anticipated to result in nonsense mediated decay, it is expected to disrupt the last 294 amino acid(s) of the SOX2 protein. This variant is not present in population databases (gnomAD no frequency). This premature translational stop signal has been observed in individual(s) with bilateral anophthalmia or microphthalmia with or without additional features (PMID: 18285410, 24804704, 26250054, 27206652). In at least one individual the variant was observed to be de novo. This variant is also known as c.70del20. ClinVar contains an entry for this variant (Variation ID: 94104). For these reasons, this variant has been classified as Pathogenic.

Genomic Medicine Center of Excellence, King Faisal Specialist Hospital and Research Centre
Classification: Pathogenic for Anophthalmia/microphthalmia-esophageal atresia syndrome. Last evaluated: 2024-12-18. Review status: criteria provided, single submitter. Criteria: ACMG Guidelines, 2015. Collection method: clinical testing. Allele origin: germline.

Greenwood Genetic Center Diagnostic Laboratories, Greenwood Genetic Center
Classification: Pathogenic for Anophthalmia/microphthalmia-esophageal atresia syndrome. Last evaluated: 2023-08-22. Review status: criteria provided, single submitter. Criteria: ACMG Guidelines, 2015. Collection method: clinical testing. Allele origin: germline. Affected: yes.
Comment: PVS1, PS2, PS4, PM2

Blueprint Genetics
Classification: Pathogenic for SOX2-related disorders. Last evaluated: 2023-05-26. Review status: criteria provided, single submitter. Criteria: ACMG Guidelines, 2015. Collection method: clinical testing. Allele origin: germline. Affected: yes. Observed: 3 variant alleles.

MGZ Medical Genetics Center
Classification: Pathogenic for Anophthalmia/microphthalmia-esophageal atresia syndrome. Last evaluated: 2022-06-17. Review status: criteria provided, single submitter. Criteria: ACMG Guidelines, 2015. Collection method: clinical testing. Allele origin: germline. Affected: yes. Observed: 1 variant allele.
Comment: ACMG criteria applied: PVS1, PS2, PS3_MOD, PS4_MOD

GeneDx
Classification: Pathogenic. Last evaluated: 2022-06-10. Review status: criteria provided, single submitter. Criteria: GeneDx Variant Classification Process June 2021. Collection method: clinical testing. Allele origin: germline. Affected: yes.
Comment: Frameshift variant in the C-terminus predicted to result in protein truncation in a gene for which loss-of-function is a known mechanism of disease; Not observed at significant frequency in large population cohorts (gnomAD); This variant is associated with the following publications: (PMID: 24859618, 17522144, 29371155, 24498598, 26250054, 27206652, 16283891, 16892407, 24804704, 18285410, 30450772, 30262714, 31005762, 31278258, 31884615, 33719903, 33144682, 35885948, 35170016, 16932809)

Genomics, Genetics and Epigenetics Laboratory, Medical College of Wisconsin
Classification: Pathogenic for Septo-optic dysplasia. Last evaluated: 2022-06-03. Review status: criteria provided, single submitter. Criteria: ACMG Guidelines, 2015. Collection method: research. Allele origin: germline. Affected: yes.

CeGaT Center for Human Genetics Tuebingen
Classification: Pathogenic. Last evaluated: 2021-12-01. Review status: criteria provided, single submitter. Criteria: CeGaT Center For Human Genetics Tuebingen Variant Classification Criteria Version 2. Collection method: clinical testing. Allele origin: germline. Affected: yes. Observed: 1 variant allele.

Laboratorio de Genetica e Diagnostico Molecular, Hospital Israelita Albert Einstein
Classification: Pathogenic for Anophthalmia/microphthalmia-esophageal atresia syndrome. Last evaluated: 2021-08-25. Review status: criteria provided, single submitter. Criteria: ACMG Guidelines, 2015. Collection method: clinical testing. Allele origin: germline. Affected: yes.
Comment: ACMG classification criteria: PVS1 strong, PS4 very strong, PM2 moderate, PM6 strong

Eurofins Ntd Llc (ga)
Classification: Pathogenic. Last evaluated: 2016-03-22. Review status: criteria provided, single submitter. Criteria: EGL Classification Definitions. Collection method: clinical testing. Allele origin: germline. Observed: 3 variant alleles, 3 heterozygotes.

PreventionGenetics, part of Exact Sciences
Classification: Pathogenic for SOX2-related condition. Last evaluated: 2024-01-04. Review status: no assertion criteria provided. Collection method: clinical testing. Allele origin: germline. Not counted in ClinVar's aggregate classification.
Comment: The SOX2 c.70_89del20 variant is predicted to result in a frameshift and premature protein termination (p.Asn24Argfs*65). This variant has been reported in multiple unrelated individuals with syndromic microphthalmia, and in at least 2 individuals was reported to have arisen de novo (Zenteno et al. 2005. PubMed ID: 16283891; Suzuki et al. 2014. PubMed ID: 24804704; Chacon-Camacho et al. 2015. PubMed ID: 26250054). In one individual with normal eye size, other findings included facial dysmorphisms, ocular findings (alternating esotropia, inferior oblique overaction and hyperopia), and an enlarging suprasellar lesion (Blackburn et al. 2018. PubMed ID: 30450772). This variant has not been reported in a large population database, indicating this variant is rare. Frameshift variants in SOX2 are expected to be pathogenic and this variant has been classified as pathogenic by multiple independent submitters to the ClinVar database. This variant is interpreted as pathogenic.

OMIM
Classification: Pathogenic for MICROPHTHALMIA, SYNDROMIC 3. Last evaluated: 2008-11-01. Review status: no assertion criteria provided. Collection method: literature only. Allele origin: germline. Not counted in ClinVar's aggregate classification.

Literature cited by the submitters: PubMed 16283891 (cited by 3billion and OMIM); PubMed 24804704 (cited by 3billion and Labcorp Genetics (formerly Invitae), Labcorp); PubMed 18285410 (cited by Labcorp Genetics (formerly Invitae), Labcorp and OMIM); PubMed 26250054 (cited by Labcorp Genetics (formerly Invitae), Labcorp); PubMed 27206652 (cited by Labcorp Genetics (formerly Invitae), Labcorp); PubMed 35885948 (cited by Genomics, Genetics and Epigenetics Laboratory, Medical College of Wisconsin); PubMed 16892407 (cited by OMIM); PubMed 16932809 (cited by OMIM); PubMed 18831064 (cited by OMIM).

NM_003106.4(SOX2):c.70_89del (p.Asn24fs)

Genes: SOX2 (SRY-box transcription factor 2; plus strand), SOX2-OT (SOX2 overlapping transcript; plus strand), LOC108281177 (SOX2 5' regulatory region; plus strand). Cytogenetic location: 3q26.33.
Variant type: Deletion.
Coding change: c.70_89del on transcript NM_003106.4 (MANE Select); coding-DNA positions 70 to 89, 20 bases deleted (AACTCCACCGCGGCGGCGGC).
Protein change: p.Asn24fs; shifts the reading frame from asparagine 24.
Molecular consequence: frameshift variant.
Genome position (GRCh38, 1-based): chr3:181,712,430-181,712,449, AACTCCACCGCGGCGGCGGC deleted; deleting any 20 consecutive bases within chr3:181,712,419-181,712,449 gives the same sequence; the c. name uses the placement nearest the transcript's 3' end. VCF-style (leftmost placement, unchanged base first): chr3-181712418-GGCGGCGGCGGCAACTCCACC-G. GRCh37 (hg19) VCF-style: chr3-181430206-GGCGGCGGCGGCAACTCCACC-G.
Other names: c.70_89del20 (NM_003106.4, NM_003106.3); c.70_89delAACTCCACCGCGGCGGCGGC (NM_003106.3); short protein forms N24fs.
Identifiers: ClinVar variation 94104 (VCV000094104.73), dbSNP rs398123693, ClinGen allele CA221966.